The following is an entry in ClinVar:

NM_021008.4(DEAF1):c.1115C>T (p.Ala372Val)

Gene: DEAF1 (DEAF1 transcription factor; minus strand). Cytogenetic location: 11p15.5.
Variant type: single nucleotide variant.
Coding change: c.1115C>T on transcript NM_021008.4 (MANE Select); coding-DNA position 1115, C replaced by T.
Protein change: p.Ala372Val; replaces alanine 372 with valine.
Molecular consequence: missense variant.
Genome position (GRCh38, 1-based): chr11:679,699, G>A on the plus strand (C>T on the coding strand, the complement: DEAF1 is on the minus strand). VCF-style: chr11-679699-G-A. GRCh37 (hg19) VCF-style: chr11-679699-G-A.
Other names: c.1115C>T (NM_021008.2); c.848C>T, p.Ala283Val (NM_001293634.2); c.389C>T, p.Ala130Val (NM_001367390.1); short protein forms A283V, A372V, A130V.
Identifiers: ClinVar variation 2001076 (VCV002001076.5), dbSNP rs770441280, ClinGen allele CA5786325.

ClinVar aggregate classification (germline): Uncertain significance. Review status: criteria provided, multiple submitters, no conflicts (2 of 4 stars). 2 submissions from 2 submitters: Uncertain significance (2). Last evaluated 2026-07-10.

Conditions:
Inborn genetic diseases. Identifiers: MedGen C0950123, MeSH D030342.

Allele frequency attached by ClinVar (database versions not stated): ExAC 0.00001; gnomAD exomes 0.00001.
gnomAD v4.1: 8 of 1,612,480 alleles (0.0005%); highest among the groups gnomAD compares: Non-Finnish European, 0.00068%; no homozygotes.

Submissions (2):

Ambry Genetics
Classification: Uncertain significance for Inborn genetic diseases. Last evaluated: 2026-07-10. Review status: criteria provided, single submitter. Criteria: Ambry Variant Classification Scheme 2023. Collection method: clinical testing. Allele origin: germline.
Comment: The c.1115C>T (p.A372V) alteration is located in exon 8 (coding exon 8) of the DEAF1 gene. This alteration results from a C to T substitution at nucleotide position 1115, causing the alanine (A) at amino acid position 372 to be replaced by a valine (V). Based on data from gnomAD, the T allele has an overall frequency of <0.001% (1/249712) total alleles studied. The highest observed frequency was 0.001% (1/113434) of European (non-Finnish) alleles. Based on insufficient or conflicting evidence, the clinical significance of this alteration remains unclear.

Labcorp Genetics (formerly Invitae), Labcorp
Classification: Uncertain significance. Last evaluated: 2023-12-07. Review status: criteria provided, single submitter. Criteria: Invitae Variant Classification Sherloc (09022015). Collection method: clinical testing. Allele origin: germline.
Comment: This sequence change replaces alanine, which is neutral and non-polar, with valine, which is neutral and non-polar, at codon 372 of the DEAF1 protein (p.Ala372Val). This variant is present in population databases (rs770441280, gnomAD 0.0009%). This variant has not been reported in the literature in individuals affected with DEAF1-related conditions. ClinVar contains an entry for this variant (Variation ID: 2001076). Advanced modeling of protein sequence and biophysical properties (such as structural, functional, and spatial information, amino acid conservation, physicochemical variation, residue mobility, and thermodynamic stability) has been performed at Invitae for this missense variant, however the output from this modeling did not meet the statistical confidence thresholds required to predict the impact of this variant on DEAF1 protein function. In summary, the available evidence is currently insufficient to determine the role of this variant in disease. Therefore, it has been classified as a Variant of Uncertain Significance.